The following is an entry in ClinVar:

ClinVar aggregate classification (germline): Benign. Review status: criteria provided, multiple submitters, no conflicts (2 of 4 stars). 7 submissions from 7 submitters: Benign (7). Last evaluated 2026-02-03.

Conditions:
Autosomal dominant nonsyndromic hearing loss 1. Also called: DEAFNESS, AUTOSOMAL DOMINANT 1, WITH OR WITHOUT THROMBOCYTOPENIA; KONIGSMARK SYNDROME. Identifiers: Orphanet 90635, MedGen C1852282, MONDO:0007424, OMIM 124900.
Progressive microcephaly-seizures-cortical blindness-developmental delay syndrome. Also called: Seizures, cortical blindness, and microcephaly syndrome. Identifiers: Orphanet 477814, MedGen C5567650, MONDO:0014714, OMIM 616632.

Allele frequency attached by ClinVar (database versions not stated): gnomAD exomes 0.00331 and 0.00908; ExAC 0.01107; 1000 Genomes Project 0.03355; gnomAD 0.03474 and 0.03749; 1000 Genomes Project 30x 0.03810; ESP Exome Variant Server 0.03883; TOPMed 0.03908.
gnomAD v4.1: 10,281 of 1,607,476 alleles (0.64%); highest among the groups gnomAD compares: African/African-American, 12%; 555 homozygotes.

Submissions (7):

Labcorp Genetics (formerly Invitae), Labcorp
Classification: Benign for Progressive microcephaly-seizures-cortical blindness-developmental delay syndrome; Autosomal dominant nonsyndromic hearing loss 1. Last evaluated: 2026-02-03. Review status: criteria provided, single submitter. Criteria: Invitae Variant Classification Sherloc (09022015). Collection method: clinical testing. Allele origin: germline.

Mayo Clinic Laboratories, Mayo Clinic
Classification: Benign. Last evaluated: 2024-08-04. Review status: criteria provided, single submitter. Criteria: ACMG Guidelines, 2015. Collection method: clinical testing. Allele origin: germline. Observed: 23 variant alleles.

Athena Diagnostics
Classification: Benign. Last evaluated: 2018-11-12. Review status: criteria provided, single submitter. Criteria: Athena Diagnostics Criteria. Collection method: clinical testing. Allele origin: germline.

Illumina Laboratory Services, Illumina
Classification: Benign for Autosomal dominant nonsyndromic hearing loss 1. Last evaluated: 2018-01-13. Review status: criteria provided, single submitter. Criteria: ICSL Variant Classification Criteria 13 December 2019. Collection method: clinical testing. Allele origin: germline.
Comment: This variant was observed in the ICSL laboratory as part of a predisposition screen in an ostensibly healthy population. It had not been previously curated by ICSL or reported in the Human Gene Mutation Database (HGMD: prior to June 1st, 2018), and was therefore a candidate for classification through an automated scoring system. Utilizing variant allele frequency, disease prevalence and penetrance estimates, and inheritance mode, an automated score was calculated to assess if this variant is too frequent to cause the disease. Based on the score and internal cut-off values, a variant classified as benign is not then subjected to further curation. The score for this variant resulted in a classification of benign for this disease.

GeneDx
Classification: Benign. Last evaluated: 2017-10-05. Review status: criteria provided, single submitter. Criteria: GeneDx Variant Classification (06012015). Collection method: clinical testing. Allele origin: germline. Affected: yes.
Comment: This variant is considered likely benign or benign based on one or more of the following criteria: it is a conservative change, it occurs at a poorly conserved position in the protein, it is predicted to be benign by multiple in silico algorithms, and/or has population frequency not consistent with disease.

Laboratory for Molecular Medicine, Mass General Brigham Personalized Medicine
Classification: Benign. Last evaluated: 2012-05-07. Review status: criteria provided, single submitter. Criteria: LMM Criteria. Collection method: clinical testing. Allele origin: germline. Observed: 32 variant alleles.
Comment: "Tyr130Tyr in Exon 04 of DIAPH1: This variant is not expected to have clinical s ignificance because it does not alter an amino acid residue, is not located with in the splice consensus sequence, and has been identified in 11.9% (376/3154) of African American chromosomes from a broad population by the NHLBI Exome Sequenc ing Project (dbSNP rs34296458)."

PreventionGenetics, part of Exact Sciences
Classification: Benign. Review status: criteria provided, single submitter. Criteria: ACMG Guidelines, 2015. Collection method: clinical testing. Allele origin: germline.

NM_005219.5(DIAPH1):c.390C>T (p.Tyr130=)

Gene: DIAPH1 (diaphanous related formin 1; minus strand). Cytogenetic location: 5q31.3.
Variant type: single nucleotide variant.
Coding change: c.390C>T on transcript NM_005219.5 (MANE Select); coding-DNA position 390, C replaced by T.
Protein change: p.Tyr130=; no amino-acid change (tyrosine 130 retained).
Molecular consequence: synonymous variant.
Genome position (GRCh38, 1-based): chr5:141,584,136, G>A on the plus strand (C>T on the coding strand, the complement: DIAPH1 is on the minus strand). VCF-style: chr5-141584136-G-A. GRCh37 (hg19) VCF-style: chr5-140963703-G-A.
Other names: p.Tyr130=; c.363C>T, p.Tyr121= (NM_001079812.3); c.390C>T, p.Tyr130= (NM_001314007.2).
Identifiers: ClinVar variation 163078 (VCV000163078.20), dbSNP rs34296458, ClinGen allele CA175671.